The following is an entry in ClinVar:

NM_001122955.4(BSCL2):c.1113del (p.Thr372fs)

Genes: HNRNPUL2-BSCL2 (HNRNPUL2-BSCL2 readthrough (NMD candidate); minus strand), BSCL2 (BSCL2 lipid droplet biogenesis associated, seipin; minus strand). Cytogenetic location: 11q12.3.
Variant type: Deletion.
Coding change: c.1113del on transcript NM_001122955.4 (MANE Select); coding-DNA position 1113, one base deleted (T; older notation c.1113delT).
Protein change: p.Thr372fs; shifts the reading frame from threonine 372.
Molecular consequence: frameshift variant. On other transcripts: non-coding transcript variant (1).
Genome position (GRCh38, 1-based): chr11:62,690,827, A deleted on the plus strand (T on the coding strand, the reverse complement: BSCL2 is on the minus strand); the first of 2 consecutive A bases (chr11:62,690,827-62,690,828); deleting either gives the same sequence. VCF-style (leftmost placement, unchanged base first): chr11-62690826-TA-T. GRCh37 (hg19) VCF-style: chr11-62458298-TA-T.
Other names: c.779del, p.Leu260fs (NM_001130702.2); c.1119del, p.Thr374fs (NM_001386027.1); c.1113del, p.Thr372fs (NM_001386028.1); c.921del, p.Thr308fs (NM_032667.6); short protein forms L260fs, T308fs, T372fs, T374fs.
Identifiers: ClinVar variation 1076721 (VCV001076721.9), dbSNP rs2134690008, ClinGen allele CA2499221112.
Genomic context (GRCh38, chr11:62,690,826, plus strand): 5'-AGTGTGGTGGCTGCGCCATACCTGTCCCTGAGGGATCTTCAGGGCTCTCACCATCCTCTG[TA>T]ACATCTGATTGCGGAGTTGACTCCTCCTGGCCTTCAGGCCCTGCACCTCCAAAGAGGGAG-3'

ClinVar aggregate classification (germline): Pathogenic (1 of 4 stars; one submission).

Conditions:
Charcot-Marie-Tooth disease type 2. Also called: Charcot-Marie-Tooth type 2. Identifiers: Orphanet 64746, MedGen C0270914, MONDO:0018993.

Submission:

Labcorp Genetics (formerly Invitae), Labcorp
Classification: Pathogenic for Charcot-Marie-Tooth disease type 2. Last evaluated: 2022-04-11. Review status: criteria provided, single submitter. Criteria: Invitae Variant Classification Sherloc (09022015). Collection method: clinical testing. Allele origin: germline.
Comment: This sequence change creates a premature translational stop signal (p.Thr308Glnfs*28) in the BSCL2 gene. While this is not anticipated to result in nonsense mediated decay, it is expected to disrupt the last 91 amino acid(s) of the BSCL2 protein. This variant is not present in population databases (gnomAD no frequency). This variant has not been reported in the literature in individuals affected with BSCL2-related conditions. ClinVar contains an entry for this variant (Variation ID: 1076721). This variant disrupts a region of the BSCL2 protein in which other variant(s) (p.Gln391*) have been determined to be pathogenic (PMID: 19226263, 24024128). This suggests that this is a clinically significant region of the protein, and that variants that disrupt it are likely to be disease-causing. For these reasons, this variant has been classified as Pathogenic.

Literature cited by the submitters: PubMed 19226263; PubMed 24024128.